The following is an entry in ClinVar:

NM_002838.5(PTPRC):c.2335G>A (p.Val779Ile)

Gene: PTPRC (protein tyrosine phosphatase receptor type C; plus strand). Cytogenetic location: 1q32.1.
Variant type: single nucleotide variant.
Coding change: c.2335G>A on transcript NM_002838.5 (MANE Select); coding-DNA position 2335, G replaced by A.
Protein change: p.Val779Ile; replaces valine 779 with isoleucine.
Molecular consequence: missense variant.
Genome position (GRCh38, 1-based): chr1:198,735,184, G>A. VCF-style: chr1-198735184-G-A. GRCh37 (hg19) VCF-style: chr1-198704313-G-A.
Other names: c.2329G>A (NM_002838.3); c.1852G>A, p.Val618Ile (NM_080921.4); short protein forms V618I, V779I.
Identifiers: ClinVar variation 1379599 (VCV001379599.7), dbSNP rs146726593, ClinGen allele CA1315085.
Genomic context (GRCh38, chr1:198,735,184, plus strand): 5'-TAGAACAAGTGTGCAGAATACTGGCCGTCAATGGAAGAGGGCACTCGGGCTTTTGGAGAT[G>A]TTGTTGTAAAGATCAACCAGCACAAAAGATGTCCAGATTACATCATTCAGAAATTGAACA-3'
Protein context (NP_002829.3, residues 769-789): MEEGTRAFGD[Val779Ile]VVKINQHKRC

ClinVar aggregate classification (germline): Uncertain significance. Review status: criteria provided, multiple submitters, no conflicts (2 of 4 stars). 4 submissions from 4 submitters: Uncertain significance (4). Last evaluated 2026-01-23.

Conditions:
Inborn genetic diseases. Identifiers: MedGen C0950123, MeSH D030342.
Immunodeficiency 104. Also called: Severe combined immunodeficiency, autosomal recessive, T cell-negative, B cell-positive, NK cell-positive; Severe Combined Immune Deficiency, Autosomal Recessive, TCell -Negative, B Cell-Positive, NK Cell-Positive, IL7R-Related; SCID, AUTOSOMAL RECESSIVE, T CELL-NEGATIVE, B CELL-POSITIVE, NK CELL-POSITIVE; IMMUNODEFICIENCY 104, SEVERE COMBINED. Identifiers: MedGen C5676890, MONDO:0012163, OMIM 608971.

Allele frequency attached by ClinVar (database versions not stated): ExAC 0.00004; gnomAD 0.00007 and 0.00008; gnomAD exomes 0.00008; TOPMed 0.00012; ESP Exome Variant Server 0.00038.
gnomAD v4.1: 194 of 1,604,244 alleles (0.012%); highest among the groups gnomAD compares: Non-Finnish European, 0.015%; no homozygotes.

Submissions (4):

Women's Health and Genetics/Laboratory Corporation of America, LabCorp
Classification: Uncertain significance. Last evaluated: 2026-01-23. Review status: criteria provided, single submitter. Criteria: LabCorp Variant Classification Summary - May 2015. Collection method: clinical testing. Allele origin: germline.

Ambry Genetics
Classification: Uncertain significance for Inborn genetic diseases. Last evaluated: 2025-09-22. Review status: criteria provided, single submitter. Criteria: Ambry Variant Classification Scheme 2023. Collection method: clinical testing. Allele origin: germline.

Labcorp Genetics (formerly Invitae), Labcorp
Classification: Uncertain significance for Immunodeficiency 104. Last evaluated: 2024-12-02. Review status: criteria provided, single submitter. Criteria: Invitae Variant Classification Sherloc (09022015). Collection method: clinical testing. Allele origin: germline.
Comment: This sequence change replaces valine, which is neutral and non-polar, with isoleucine, which is neutral and non-polar, at codon 779 of the PTPRC protein (p.Val779Ile). The frequency data for this variant in the population databases is considered unreliable, as metrics indicate poor data quality at this position in the gnomAD database. This variant has not been reported in the literature in individuals affected with PTPRC-related conditions. ClinVar contains an entry for this variant (Variation ID: 1379599). An algorithm developed to predict the effect of missense changes on protein structure and function outputs the following: PolyPhen-2: "Benign". The isoleucine amino acid residue is found in multiple mammalian species, which suggests that this missense change does not adversely affect protein function. In summary, the available evidence is currently insufficient to determine the role of this variant in disease. Therefore, it has been classified as a Variant of Uncertain Significance.

Blueprint Genetics
Classification: Uncertain significance. Last evaluated: 2024-11-05. Review status: criteria provided, single submitter. Criteria: ACMG Guidelines, 2015. Collection method: clinical testing. Allele origin: germline.